The following is an entry in ClinVar:

NM_018972.4(GDAP1):c.117G>C (p.Lys39Asn)

Genes: GDAP1 (ganglioside induced differentiation associated protein 1; plus strand), LOC130000622 (ATAC-STARR-seq lymphoblastoid active region 27542; plus strand). Cytogenetic location: 8q21.11.
Variant type: single nucleotide variant.
Coding change: c.117G>C on transcript NM_018972.4 (MANE Select); coding-DNA position 117, G replaced by C.
Protein change: p.Lys39Asn; replaces lysine 39 with asparagine.
Molecular consequence: missense variant. On other transcripts: 5 prime UTR variant (2), intron variant (1).
Genome position (GRCh38, 1-based): chr8:74,350,578, G>C. VCF-style: chr8-74350578-G-C. GRCh37 (hg19) VCF-style: chr8-75262813-G-C.
Other names: p.Lys39Asn; c.-66G>C (NM_001362929.2); c.117G>C, p.Lys39Asn (NM_001362930.2, NM_001362931.2); c.-18G>C (NM_001362932.2); c.-64+106G>C (NM_001040875.4); short protein forms K39N.
Identifiers: ClinVar variation 637121 (VCV000637121.3), dbSNP rs1586794314, ClinGen allele CA371499215.
Genomic context (GRCh38, chr8:74,350,578, plus strand): 5'-GGCCGACGCGGAGGTTAAGCTCATTCTGTACCATTGGACGCATTCCTTCAGCTCTCAAAA[G>C]GTACAACAGGCCTTGGCGGCGGAGGGTGGCGCGGATCGGGCTTCAGCACTGGGACAGCTC-3'
Protein context (NP_061845.2, residues 29-49): YHWTHSFSSQ[Lys39Asn]VRLVIAEKAL

ClinVar aggregate classification (germline): Uncertain significance. Review status: criteria provided, single submitter (1 of 4 stars). 3 submissions from 3 submitters: Uncertain significance (1). 2 of the submissions do not count toward it. Last evaluated 2022-10-31.

Conditions:
Charcot-Marie-Tooth disease. Also called: Charcot-Marie-Tooth Hereditary Neuropathy; Charcot-Marie-Tooth Neuropathy. Identifiers: Orphanet 166, MedGen C0007959, MONDO:0015626.
Charcot-Marie-Tooth disease axonal type 2K (CMT2K). Also called: Charcot-Marie-Tooth disease type 2K; CHARCOT-MARIE-TOOTH DISEASE, AXONAL, AUTOSOMAL RECESSIVE, TYPE 2K; CHARCOT-MARIE-TOOTH NEUROPATHY, AXONAL, TYPE 2K. Identifiers: Orphanet 101097, Orphanet 99944, MedGen C1842983, MONDO:0011916, OMIM 607831.

Submissions (3):

Mayo Clinic Laboratories, Mayo Clinic
Classification: Uncertain significance. Last evaluated: 2022-10-31. Review status: criteria provided, single submitter. Criteria: ACMG Guidelines, 2015. Collection method: clinical testing. Allele origin: germline. Observed: 1 variant allele.
Comment: PP1, PP3, PM2

Inherited Neuropathy Consortium Ii, University Of Miami
Classification: Uncertain significance for Charcot-Marie-Tooth disease axonal type 2K. Last evaluated: 2016-01-06. Review status: no assertion criteria provided. Collection method: literature only. Allele origin: germline. Affected: yes. Not counted in ClinVar's aggregate classification.

Inherited Neuropathy Consortium
Classification: Uncertain significance for Charcot-Marie-Tooth disease. Review status: no assertion criteria provided. Collection method: literature only. Allele origin: germline. Affected: yes. Not counted in ClinVar's aggregate classification.

Literature cited by the submitters: PubMed 24627108 (cited by 3 submitters).